The following is an entry in ClinVar:

ClinVar aggregate classification (germline): Likely benign (1 of 4 stars; one submission).

Conditions:
Blood group, I system (Ii). Identifiers: MedGen C0020717, OMIM 110800.

Allele frequency attached by ClinVar (database versions not stated): TOPMed 0.00049; 1000 Genomes Project 30x 0.00250; 1000 Genomes Project 0.00260.

Submission:

Illumina Laboratory Services, Illumina
Classification: Likely benign for Blood group, I system. Last evaluated: 2018-01-13. Review status: criteria provided, single submitter. Criteria: ICSL Variant Classification Criteria 13 December 2019. Collection method: clinical testing. Allele origin: germline.
Comment: This variant was observed in the ICSL laboratory as part of a predisposition screen in an ostensibly healthy population. It had not been previously curated by ICSL or reported in the Human Gene Mutation Database (HGMD: prior to June 1st, 2018), and was therefore a candidate for classification through an automated scoring system. Utilizing variant allele frequency, disease prevalence and penetrance estimates, and inheritance mode, an automated score was calculated to assess if this variant is too frequent to cause the disease. Based on the score and internal cut-off values, a variant classified as likely benign is not then subjected to further curation. The score for this variant resulted in a classification of likely benign for this disease.

NM_145649.5(GCNT2):c.*2330G>T

Gene: GCNT2 (glucosaminyl (N-acetyl) transferase 2 (I blood group); plus strand). Cytogenetic location: 6p24.2.
Variant type: single nucleotide variant.
Coding change: c.*2330G>T on transcript NM_145649.5 (MANE Select); 2330 bases downstream of the stop codon, G replaced by T.
Molecular consequence: 3 prime UTR variant.
Genome position (GRCh38, 1-based): chr6:10,628,937, G>T. VCF-style: chr6-10628937-G-T. GRCh37 (hg19) VCF-style: chr6-10629170-G-T.
Other names: c.*2330G>T (NM_001374747.1, NM_001491.3, NM_145655.4).
Identifiers: ClinVar variation 906222 (VCV000906222.4), dbSNP rs145879560, ClinGen allele CA134104591.